The following is an entry in ClinVar:

ClinVar aggregate classification (germline): Uncertain significance (1 of 4 stars; one submission).

Allele frequency attached by ClinVar (database versions not stated): gnomAD exomes 0.00001.
gnomAD v4.1: 8 of 1,612,956 alleles (0.0005%); highest among the groups gnomAD compares: Non-Finnish European, 0.00068%; no homozygotes.

Submission:

Ambry Genetics
Classification: Uncertain significance. Last evaluated: 2022-04-07. Review status: criteria provided, single submitter. Criteria: Ambry Variant Classification Scheme 2023. Collection method: clinical testing. Allele origin: germline.
Comment: The p.K484Q variant (also known as c.1450A>C), located in coding exon 14 of the KIF1B gene, results from an A to C substitution at nucleotide position 1450. The lysine at codon 484 is replaced by glutamine, an amino acid with similar properties. This amino acid position is conserved. In addition, the in silico prediction for this alteration is inconclusive. Since supporting evidence is limited at this time, the clinical significance of this alteration remains unclear.

NM_001365951.3(KIF1B):c.1588A>C (p.Lys530Gln)

Gene: KIF1B (kinesin family member 1B; plus strand). Cytogenetic location: 1p36.22.
Variant type: single nucleotide variant.
Coding change: c.1588A>C on transcript NM_001365951.3 (MANE Select); coding-DNA position 1588, A replaced by C.
Protein change: p.Lys530Gln; replaces lysine 530 with glutamine.
Molecular consequence: missense variant.
Genome position (GRCh38, 1-based): chr1:10,292,120, A>C. VCF-style: chr1-10292120-A-C. GRCh37 (hg19) VCF-style: chr1-10352178-A-C.
Other names: c.1588A>C, p.Lys530Gln (NM_001365952.1); c.1450A>C, p.Lys484Gln (NM_001365953.1, NM_015074.3, NM_183416.4); short protein forms K484Q, K530Q.
Identifiers: ClinVar variation 1772933 (VCV001772933.2), dbSNP rs2521358612, ClinGen allele CA338313556.